The following is an entry in ClinVar:

ClinVar aggregate classification (germline): Benign/Likely benign. Review status: criteria provided, multiple submitters, no conflicts (2 of 4 stars). 3 submissions from 3 submitters: Benign (1); Likely benign (2). Last evaluated 2024-10-03.

Conditions:
Familial cancer of breast. Also called: hereditary breast carcinoma; Hereditary breast cancer; BREAST CANCER, FAMILIAL. Identifiers: Orphanet 227535, MedGen C0346153, MONDO:0016419, OMIM 114480. Disease mechanism: loss of function.
Hereditary cancer-predisposing syndrome. Also called: Tumor predisposition; Neoplastic Syndromes, Hereditary; Hereditary Cancer Syndrome; Hereditary neoplastic syndrome. Identifiers: Orphanet 140162, MedGen C0027672, MeSH D009386, MONDO:0015356.

Submissions (3):

Myriad Genetics, Inc.
Classification: Benign for Familial cancer of breast. Last evaluated: 2024-10-03. Review status: criteria provided, single submitter. Criteria: Myriad Autosomal Dominant, Autosomal Recessive and X-Linked Classification Criteria (2023). Collection method: clinical testing. Allele origin: unknown.
Comment: This variant is considered benign. This variant is a silent/synonymous amino acid change and it is not expected to impact splicing.

Ambry Genetics
Classification: Likely benign for Hereditary cancer-predisposing syndrome. Last evaluated: 2021-10-04. Review status: criteria provided, single submitter. Criteria: Ambry Variant Classification Scheme 2023. Collection method: clinical testing. Allele origin: germline.

Labcorp Genetics (formerly Invitae), Labcorp
Classification: Likely benign for Familial cancer of breast. Last evaluated: 2020-01-23. Review status: criteria provided, single submitter. Criteria: Invitae Variant Classification Sherloc (09022015). Collection method: clinical testing. Allele origin: germline.

NM_007194.4(CHEK2):c.624T>C (p.Asp208=)

Gene: CHEK2 (checkpoint kinase 2; minus strand). Cytogenetic location: 22q12.1.
Variant type: single nucleotide variant.
Coding change: c.624T>C on transcript NM_007194.4 (MANE Select); coding-DNA position 624, T replaced by C.
Protein change: p.Asp208=; no amino-acid change (aspartic acid 208 retained).
Molecular consequence: synonymous variant. On other transcripts: 5 prime UTR variant (2), intron variant (1).
Genome position (GRCh38, 1-based): chr22:28,719,454, A>G on the plus strand (T>C on the coding strand, the complement: CHEK2 is on the minus strand). VCF-style: chr22-28719454-A-G. GRCh37 (hg19) VCF-style: chr22-29115442-A-G.
Other names: c.753T>C, p.Asp251= (NM_001005735.3, NM_001438294.1); c.-40T>C (NM_001257387.3, NM_001437942.1); c.717T>C, p.Asp239= (NM_001438293.1, NM_001438295.1); c.624T>C, p.Asp208= (NM_145862.3); c.482+5432T>C (NM_001349956.3).
Identifiers: ClinVar variation 1160274 (VCV001160274.13), dbSNP rs1555924474, ClinGen allele CA513945261.